The following is an entry in ClinVar:

NM_005477.3(HCN4):c.2377A>G (p.Ile793Val)

Gene: HCN4 (hyperpolarization activated cyclic nucleotide gated potassium channel 4; minus strand). Cytogenetic location: 15q24.1.
Variant type: single nucleotide variant.
Coding change: c.2377A>G on transcript NM_005477.3 (MANE Select); coding-DNA position 2377, A replaced by G.
Protein change: p.Ile793Val; replaces isoleucine 793 with valine.
Molecular consequence: missense variant.
Genome position (GRCh38, 1-based): chr15:73,323,716, T>C on the plus strand (A>G on the coding strand, the complement: HCN4 is on the minus strand). VCF-style: chr15-73323716-T-C. GRCh37 (hg19) VCF-style: chr15-73616057-T-C.
Other names: short protein forms I793V.
Identifiers: ClinVar variation 1790373 (VCV001790373.4), dbSNP rs1302650781, ClinGen allele CA393089011.

ClinVar aggregate classification (germline): Uncertain significance. Review status: criteria provided, multiple submitters, no conflicts (2 of 4 stars). 2 submissions from 2 submitters: Uncertain significance (2). Last evaluated 2025-08-20.

Conditions:
Cardiovascular phenotype. Identifiers: MedGen CN230736.

gnomAD v4.1: 3 of 1,600,914 alleles (0.00019%); highest among the groups gnomAD compares: Non-Finnish European, 0.00026%; no homozygotes.

Submissions (2):

Ambry Genetics
Classification: Uncertain significance for Cardiovascular phenotype. Last evaluated: 2025-08-20. Review status: criteria provided, single submitter. Criteria: Ambry Variant Classification Scheme 2023. Collection method: clinical testing. Allele origin: germline.
Comment: The p.I793V variant (also known as c.2377A>G), located in coding exon 8 of the HCN4 gene, results from an A to G substitution at nucleotide position 2377. The isoleucine at codon 793 is replaced by valine, an amino acid with highly similar properties. This amino acid position is well conserved in available vertebrate species. In addition, this alteration is predicted to be tolerated by in silico analysis. Since supporting evidence is limited at this time, the clinical significance of this alteration remains unclear.

GeneDx
Classification: Uncertain significance. Last evaluated: 2024-10-03. Review status: criteria provided, single submitter. Criteria: GeneDx Variant Classification Process June 2021. Collection method: clinical testing. Allele origin: germline. Affected: yes.
Comment: Not observed at significant frequency in large population cohorts (gnomAD); In silico analysis indicates that this missense variant does not alter protein structure/function; Has not been previously published as pathogenic or benign to our knowledge